The following is an entry in ClinVar:

NM_000528.4(MAN2B1):c.2046+2T>A

Gene: MAN2B1 (mannosidase alpha class 2B member 1; minus strand). Cytogenetic location: 19p13.13.
Variant type: single nucleotide variant.
Coding change: c.2046+2T>A on transcript NM_000528.4 (MANE Select); the canonical splice donor site of the intron after coding-DNA position 2046, T replaced by A.
Molecular consequence: splice donor variant.
Genome position (GRCh38, 1-based): chr19:12,652,151, A>T on the plus strand (T>A on the coding strand, the complement: MAN2B1 is on the minus strand). VCF-style: chr19-12652151-A-T. GRCh37 (hg19) VCF-style: chr19-12762965-A-T.
Other names: c.2043+2T>A (NM_001173498.2).
Identifiers: ClinVar variation 553630 (VCV000553630.20), dbSNP rs748712495, ClinGen allele CA9226233.

ClinVar aggregate classification (germline): Pathogenic/Likely pathogenic. Review status: criteria provided, multiple submitters, no conflicts (2 of 4 stars). 10 submissions from 10 submitters: Pathogenic (2); Likely pathogenic (6). 2 of the submissions do not count toward it. Last evaluated 2025-08-17.

Conditions:
MAN2B1-related disorder. Also called: MAN2B1-related condition.
Deficiency of alpha-mannosidase (MANSA). Also called: Alpha-Mannosidosis; Mannosidosis, alpha-, types I and II; LYSOSOMAL ALPHA-D-MANNOSIDASE DEFICIENCY. Identifiers: Orphanet 61, MedGen C0024748, MONDO:0009561, OMIM 248500.

Allele frequency attached by ClinVar (database versions not stated): gnomAD exomes 0.00001 and 0.00002; ExAC 0.00002; gnomAD 0.00005 and 0.00007; TOPMed 0.00009.
gnomAD v4.1: 16 of 1,612,148 alleles (0.00099%); highest among the groups gnomAD compares: African/African-American, 0.02%; no homozygotes.

Submissions (10):

Natera, Inc.
Classification: Likely pathogenic for Alpha-mannosidosis. Last evaluated: 2025-08-17. Review status: criteria provided, single submitter. Criteria: Natera Variant Classification Schema (03/2026). Collection method: clinical testing. Allele origin: germline.
Comment: The c.2046+2T>A variant in MAN2B1 is a canonical splice donor site variant predicted to affect pre-mRNA splicing, which may result in an abnormal transcript and altered protein product. This variant is expected to result in nonsense mediated decay, truncation, or a dysfunctional protein product. This variant is rare in the general population with a frequency below the threshold expected for the associated phenotype(s). Given the available evidence, this variant is classified as Likely Pathogenic.

Laboratorio de Genetica e Diagnostico Molecular, Hospital Israelita Albert Einstein
Classification: Likely pathogenic for Deficiency of alpha-mannosidase. Last evaluated: 2024-11-21. Review status: criteria provided, single submitter. Criteria: ACMG Guidelines, 2015. Collection method: clinical testing. Allele origin: germline. Affected: yes.
Comment: ACMG classification criteria: PVS1 very strong, PM2 supporting

Labcorp Genetics (formerly Invitae), Labcorp
Classification: Likely pathogenic for Deficiency of alpha-mannosidase. Last evaluated: 2024-08-05. Review status: criteria provided, single submitter. Criteria: Invitae Variant Classification Sherloc (09022015). Collection method: clinical testing. Allele origin: germline.
Comment: This sequence change affects a donor splice site in intron 16 of the MAN2B1 gene. It is expected to disrupt RNA splicing. Variants that disrupt the donor or acceptor splice site typically lead to a loss of protein function (PMID: 16199547), and loss-of-function variants in MAN2B1 are known to be pathogenic (PMID: 9915946, 22161967). This variant is present in population databases (rs748712495, gnomAD 0.03%). This variant has not been reported in the literature in individuals affected with MAN2B1-related conditions. ClinVar contains an entry for this variant (Variation ID: 553630). Algorithms developed to predict the effect of sequence changes on RNA splicing suggest that this variant may disrupt the consensus splice site. In summary, the currently available evidence indicates that the variant is pathogenic, but additional data are needed to prove that conclusively. Therefore, this variant has been classified as Likely Pathogenic.

Baylor Genetics
Classification: Likely pathogenic for Deficiency of alpha-mannosidase. Last evaluated: 2024-03-18. Review status: criteria provided, single submitter. Criteria: ACMG Guidelines, 2015. Collection method: clinical testing. Allele origin: unknown.

Fulgent Genetics
Classification: Likely pathogenic for Deficiency of alpha-mannosidase. Last evaluated: 2024-02-27. Review status: criteria provided, single submitter. Criteria: ACMG Guidelines, 2015. Collection method: clinical testing. Allele origin: germline.

Blueprint Genetics
Classification: Likely pathogenic for MAN2B1-related disorders. Last evaluated: 2022-03-31. Review status: criteria provided, single submitter. Criteria: ACMG Guidelines, 2015. Collection method: clinical testing. Allele origin: germline. Affected: yes. Observed: 1 variant allele.

Genome-Nilou Lab
Classification: Pathogenic for Deficiency of alpha-mannosidase. Last evaluated: 2021-09-05. Review status: criteria provided, single submitter. Criteria: ACMG Guidelines, 2015. Collection method: clinical testing. Allele origin: germline. Affected: no.

GeneDx
Classification: Pathogenic. Last evaluated: 2021-06-28. Review status: criteria provided, single submitter. Criteria: GeneDx Variant Classification Process June 2021. Collection method: clinical testing. Allele origin: germline. Affected: yes.
Comment: Canonical splice site variant in a gene for which loss-of-function is a known mechanism of disease; Has not been previously published as pathogenic or benign to our knowledge; This variant is associated with the following publications: (PMID: 9915946, 16199547, 22161967, 27535533)

PreventionGenetics, part of Exact Sciences
Classification: Pathogenic for MAN2B1-related condition. Last evaluated: 2024-09-11. Review status: no assertion criteria provided. Collection method: clinical testing. Allele origin: germline. Not counted in ClinVar's aggregate classification.
Comment: The MAN2B1 c.2046+2T>A variant is predicted to disrupt the GT donor site and interfere with normal splicing. To our knowledge, this variant has not been reported in the literature. This variant is reported in 0.028% of alleles in individuals of African descent in gnomAD. Variants that disrupt the consensus splice donor site in MAN2B1 are expected to be pathogenic. This variant is interpreted as pathogenic.

Counsyl
Classification: Likely pathogenic for Deficiency of alpha-mannosidase. Last evaluated: 2017-09-01. Review status: no assertion criteria provided. Collection method: clinical testing. Allele origin: unknown. Not counted in ClinVar's aggregate classification.

Literature cited by the submitters: PubMed 16199547 (cited by Labcorp Genetics (formerly Invitae), Labcorp); PubMed 9915946 (cited by Labcorp Genetics (formerly Invitae), Labcorp); PubMed 22161967 (cited by Labcorp Genetics (formerly Invitae), Labcorp).